The following is an entry in ClinVar:

ClinVar aggregate classification (germline): Uncertain significance. Review status: criteria provided, multiple submitters, no conflicts (2 of 4 stars). 2 submissions from 2 submitters: Uncertain significance (2). Last evaluated 2022-07-02.

Conditions:
Inborn genetic diseases. Identifiers: MedGen C0950123, MeSH D030342.

Submissions (2):

Labcorp Genetics (formerly Invitae), Labcorp
Classification: Uncertain significance. Last evaluated: 2022-07-02. Review status: criteria provided, single submitter. Criteria: Invitae Variant Classification Sherloc (09022015). Collection method: clinical testing. Allele origin: germline.
Comment: This sequence change falls in intron 11 of the ASNS gene. It does not directly change the encoded amino acid sequence of the ASNS protein. It affects a nucleotide within the consensus splice site. This variant is not present in population databases (gnomAD no frequency). This variant has not been reported in the literature in individuals affected with ASNS-related conditions. Variants that disrupt the consensus splice site are a relatively common cause of aberrant splicing (PMID: 17576681, 9536098). Algorithms developed to predict the effect of sequence changes on RNA splicing suggest that this variant may disrupt the consensus splice site. In summary, the available evidence is currently insufficient to determine the role of this variant in disease. Therefore, it has been classified as a Variant of Uncertain Significance.

Ambry Genetics
Classification: Uncertain significance for Inborn genetic diseases. Last evaluated: 2022-03-07. Review status: criteria provided, single submitter. Criteria: Ambry Variant Classification Scheme 2023. Collection method: clinical testing. Allele origin: germline.
Comment: The c.1320+5delG alteration is located in intron 11 of the ASNS gene. This alteration consists of a deletion of 1 nucleotides at nucleotide position c.1320+5. Based on insufficient or conflicting evidence, the clinical significance of this alteration remains unclear.

Literature cited by the submitters: PubMed 17576681 (cited by Labcorp Genetics (formerly Invitae), Labcorp); PubMed 9536098 (cited by Labcorp Genetics (formerly Invitae), Labcorp).

NM_001673.5(ASNS):c.1320+5del

Genes: ASNS (asparagine synthetase (glutamine-hydrolyzing); minus strand), CZ1P-ASNS (CZ1P-ASNS readthrough; minus strand). Cytogenetic location: 7q21.3.
Variant type: Deletion.
Coding change: c.1320+5del on transcript NM_001673.5 (MANE Select); 5 bases into the intron after coding-DNA position 1320, one base deleted (G; older notation c.1320+5delG).
Molecular consequence: intron variant.
Genome position (GRCh38, 1-based): chr7:97,853,300, C deleted on the plus strand (G on the coding strand, the reverse complement: ASNS is on the minus strand); the first of 2 consecutive C bases (chr7:97,853,300-97,853,301); deleting either gives the same sequence. VCF-style (leftmost placement, unchanged base first): chr7-97853299-AC-A. GRCh37 (hg19) VCF-style: chr7-97482611-AC-A.
Other names: c.1320+5del (NM_001352496.2, NM_183356.4, NM_133436.3); c.1071+5del (NM_001178076.2, NM_001178077.1); c.1257+5del (NM_001178075.2); c.1320+5delG (NM_133436.3).
Identifiers: ClinVar variation 2174627 (VCV002174627.2), dbSNP rs1791276874, ClinGen allele CA1728317235.